The following is an entry in ClinVar:

NM_000094.4(COL7A1):c.5164_5187del (p.Gly1722_Pro1729del)

Gene: COL7A1 (collagen type VII alpha 1 chain; minus strand). Cytogenetic location: 3p21.31.
Variant type: Deletion.
Coding change: c.5164_5187del on transcript NM_000094.4 (MANE Select); coding-DNA positions 5164 to 5187, 24 bases deleted (GGGGACCGCGGACAAGAGGGTCCT).
Protein change: p.Gly1722_Pro1729del.
Molecular consequence: inframe deletion.
Genome position (GRCh38, 1-based): chr3:48,579,636-48,579,659, AGGACCCTCTTGTCCGCGGTCCCC deleted on the plus strand (GGGGACCGCGGACAAGAGGGTCCT on the coding strand, the reverse complement: COL7A1 is on the minus strand); deleting any 24 consecutive bases within chr3:48,579,636-48,579,662 gives the same sequence; the c. name uses the placement nearest the transcript's 3' end. VCF-style (leftmost placement, unchanged base first): chr3-48579635-GAGGACCCTCTTGTCCGCGGTCCCC-G. GRCh37 (hg19) VCF-style: chr3-48617068-GAGGACCCTCTTGTCCGCGGTCCCC-G.
Identifiers: ClinVar variation 2167785 (VCV002167785.3), dbSNP rs749004285, ClinGen allele CA2379618.

ClinVar aggregate classification (germline): Uncertain significance (1 of 4 stars; one submission).

Submission:

Labcorp Genetics (formerly Invitae), Labcorp
Classification: Uncertain significance. Last evaluated: 2026-01-21. Review status: criteria provided, single submitter. Criteria: Invitae Variant Classification Sherloc (09022015). Collection method: clinical testing. Allele origin: germline.
Comment: This variant, c.5164_5187del, results in the deletion of 8 amino acid(s) of the COL7A1 protein (p.Gly1722_Pro1729del), but otherwise preserves the integrity of the reading frame. This variant is present in population databases (rs749004285, gnomAD 0.03%). This variant has not been reported in the literature in individuals affected with COL7A1-related conditions. ClinVar contains an entry for this variant (Variation ID: 2167785). Experimental studies and prediction algorithms are not available or were not evaluated, and the functional significance of this variant is currently unknown. In summary, the available evidence is currently insufficient to determine the role of this variant in disease. Therefore, it has been classified as a Variant of Uncertain Significance.